The following is an entry in ClinVar:

NM_000709.4(BCKDHA):c.14del (p.Ile5fs)

Gene: BCKDHA (branched chain keto acid dehydrogenase E1 subunit alpha; plus strand). Cytogenetic location: 19q13.2.
Variant type: Deletion.
Coding change: c.14del on transcript NM_000709.4 (MANE Select); coding-DNA position 14, one base deleted (T; older notation c.14delT).
Protein change: p.Ile5fs; shifts the reading frame from isoleucine 5.
Molecular consequence: frameshift variant.
Genome position (GRCh38, 1-based): chr19:41,397,841, T deleted. VCF-style (leftmost placement, unchanged base first): chr19-41397840-AT-A. GRCh37 (hg19) VCF-style: chr19-41903745-AT-A.
Other names: c.14del, p.Ile5fs (NM_001164783.2); short protein forms I5fs.
Identifiers: ClinVar variation 93349 (VCV000093349.14), dbSNP rs398123494, ClinGen allele CA221190.
Genomic context (GRCh38, chr19:41,397,840, plus strand): 5'-GAATCTAGCCTACGTGAGTGCCGGACCGCTGAGTGGTTGTTAGCCAAGATGGCGGTAGCG[AT>A]CGCTGCAGCGAGGGTCTGGCGGCTAAACCGTGGTTTGAGCCAGGCTGCCCTCCTGCTGCT-3'

ClinVar aggregate classification (germline): Pathogenic/Likely pathogenic. Review status: criteria provided, multiple submitters, no conflicts (2 of 4 stars). 5 submissions from 5 submitters: Pathogenic (2); Likely pathogenic (3). Last evaluated 2024-12-30.

Conditions:
Maple syrup urine disease type 1A (MSUD1A). Also called: MSUD type 1A. Identifiers: MedGen C1855369, MONDO:0023691, OMIM 248600.
Maple syrup urine disease (MSUD). Identifiers: Orphanet 511, MedGen C0024776, MeSH D008375, MONDO:0009563. Disease mechanism: loss of function.

Allele frequency attached by ClinVar (database versions not stated): gnomAD exomes 0.00001.

Submissions (5):

Natera, Inc.
Classification: Likely pathogenic for Maple syrup urine disease type 1A. Last evaluated: 2024-12-30. Review status: criteria provided, single submitter. Criteria: Natera Variant Classification Schema (03/2026). Collection method: clinical testing. Allele origin: germline.
Comment: The c.14delT variant in BCKDHA is a frameshift variant predicted to shift the reading frame beginning at codon 5 and leads to a stop codon 9 codons downstream. This variant is expected to result in nonsense mediated decay, truncation, or a dysfunctional protein product. This variant is rare in the general population with a frequency below the threshold expected for the associated phenotype(s). Given the available evidence, this variant is classified as Likely Pathogenic.

Labcorp Genetics (formerly Invitae), Labcorp
Classification: Pathogenic for Maple syrup urine disease. Last evaluated: 2024-03-20. Review status: criteria provided, single submitter. Criteria: Invitae Variant Classification Sherloc (09022015). Collection method: clinical testing. Allele origin: germline.
Comment: This sequence change creates a premature translational stop signal (p.Ile5Thrfs*9) in the BCKDHA gene. It is expected to result in an absent or disrupted protein product. Loss-of-function variants in BCKDHA are known to be pathogenic (PMID: 16786533, 22593002). This variant is not present in population databases (gnomAD no frequency). This variant has not been reported in the literature in individuals affected with BCKDHA-related conditions. ClinVar contains an entry for this variant (Variation ID: 93349). For these reasons, this variant has been classified as Pathogenic.

Baylor Genetics
Classification: Likely pathogenic for Maple syrup urine disease type 1A. Last evaluated: 2023-04-20. Review status: criteria provided, single submitter. Criteria: ACMG Guidelines, 2015. Collection method: clinical testing. Allele origin: unknown.

Women's Health and Genetics/Laboratory Corporation of America, LabCorp
Classification: Likely pathogenic for Maple syrup urine disease. Last evaluated: 2023-04-12. Review status: criteria provided, single submitter. Criteria: LabCorp Variant Classification Summary - May 2015. Collection method: clinical testing. Allele origin: germline.
Comment: Variant summary: BCKDHA c.14delT (p.Ile5ThrfsX9) results in a premature termination codon, predicted to cause a truncation of the encoded protein or absence of the protein due to nonsense mediated decay, which are commonly known mechanisms for disease. Truncations downstream of this position have been classified as pathogenic by our laboratory. The variant was absent in 251098 control chromosomes (gnomAD). To our knowledge, no occurrence of c.14delT in individuals affected with Maple Syrup Urine Disease and no experimental evidence demonstrating its impact on protein function have been reported. One clinical diagnostic laboratory has submitted clinical-significance assessments for this variant to ClinVar after 2014 and classified the variant as pathogenic. Based on the evidence outlined above, the variant was classified as likely pathogenic.

Eurofins Ntd Llc (ga)
Classification: Pathogenic. Last evaluated: 2013-08-23. Review status: criteria provided, single submitter. Criteria: EGL Classification Definitions. Collection method: clinical testing. Allele origin: germline. Observed: 3 variant alleles, 3 heterozygotes.

Literature cited by the submitters: PubMed 16786533 (cited by Labcorp Genetics (formerly Invitae), Labcorp); PubMed 22593002 (cited by Labcorp Genetics (formerly Invitae), Labcorp).